The following is an entry in ClinVar:

NM_020975.6(RET):c.3187G>A (p.Gly1063Ser)

Gene: RET (ret proto-oncogene; plus strand). Cytogenetic location: 10q11.21.
Variant type: single nucleotide variant.
Coding change: c.3187G>A on transcript NM_020975.6 (MANE Select); coding-DNA position 3187, G replaced by A.
Protein change: p.Gly1063Ser; replaces glycine 1063 with serine.
Molecular consequence: missense variant.
Genome position (GRCh38, 1-based): chr10:43,126,722, G>A. VCF-style: chr10-43126722-G-A. GRCh37 (hg19) VCF-style: chr10-43622170-G-A.
Other names: c.3187G>A, p.Gly1063Ser (NM_000323.2, NM_001406743.1, NM_020630.7); c.2425G>A, p.Gly809Ser (NM_001355216.2); c.3187G>A, p.Asp1063Asn (NM_001406744.1, NM_020629.2); c.3058G>A, p.Gly1020Ser (NM_001406761.1, NM_001406762.1, NM_001406764.1); c.3052G>A, p.Gly1018Ser (NM_001406763.1, NM_001406765.1); c.2899G>A, p.Gly967Ser (NM_001406766.1, NM_001406767.1, NM_001406770.1); c.2923G>A, p.Gly975Ser (NM_001406768.1); c.2791G>A, p.Gly931Ser (NM_001406769.1, NM_001406772.1); and 13 more; short protein forms G1063S, G809S, G580S, G668S, G733S, G764S, G931S, D764N.
Identifiers: ClinVar variation 1010590 (VCV001010590.9), dbSNP rs1564502015, ClinGen allele CA376558560.
Genomic context (GRCh38, chr10:43,126,722, plus strand): 5'-TGTAATAATGCCCCCCTCCCTCGAGCCCTCCCTTCCACATGGATTGAAAACAAACTCTAT[G>A]GTAGAATTTCCCATGCATTTACTAGATTCTAGCACCGCTGTCCCCTTTGCACTATCCTTC-3'
Protein context (NP_066124.1, residues 1053-1073): PSTWIENKLY[Gly1063Ser]MSDPNWPGES

ClinVar aggregate classification (germline): Uncertain significance (1 of 4 stars; one submission).

Conditions:
Multiple endocrine neoplasia, type 2 (MEN2). Identifiers: Orphanet 653, MedGen C4048306, MONDO:0019003. Disease mechanism: gain of function.

Allele frequency attached by ClinVar (database versions not stated): gnomAD exomes below 0.00001; TOPMed 0.00001.
gnomAD v4.1: 1 of 1,613,764 alleles (0.000062%); highest among the groups gnomAD compares: Non-Finnish European, 0.000085%; no homozygotes.

Submission:

Labcorp Genetics (formerly Invitae), Labcorp
Classification: Uncertain significance for Multiple endocrine neoplasia, type 2. Last evaluated: 2023-09-26. Review status: criteria provided, single submitter. Criteria: Invitae Variant Classification Sherloc (09022015). Collection method: clinical testing. Allele origin: germline.
Comment: This sequence change replaces glycine, which is neutral and non-polar, with serine, which is neutral and polar, at codon 1063 of the RET protein (p.Gly1063Ser). This variant also falls at the last nucleotide of exon 19, which is part of the consensus splice site for this exon. This variant is not present in population databases (gnomAD no frequency). This variant has not been reported in the literature in individuals affected with RET-related conditions. ClinVar contains an entry for this variant (Variation ID: 1010590). An algorithm developed to predict the effect of missense changes on protein structure and function (PolyPhen-2) suggests that this variant is likely to be disruptive. Variants that disrupt the consensus splice site are a relatively common cause of aberrant splicing (PMID: 17576681, 9536098). Algorithms developed to predict the effect of sequence changes on RNA splicing suggest that this variant may disrupt the consensus splice site. In summary, the available evidence is currently insufficient to determine the role of this variant in disease. Therefore, it has been classified as a Variant of Uncertain Significance.

Literature cited by the submitters: PubMed 17576681; PubMed 9536098.